The following is an entry in ClinVar:

ClinVar aggregate classification (germline): Uncertain significance (1 of 4 stars; one submission).

Conditions:
Familial cancer of breast. Also called: BREAST CANCER, FAMILIAL; Hereditary breast cancer; hereditary breast carcinoma. Identifiers: Orphanet 227535, MedGen C0346153, MONDO:0016419, OMIM 114480. Disease mechanism: loss of function.

Submission:

Labcorp Genetics (formerly Invitae), Labcorp
Classification: Uncertain significance for Familial cancer of breast. Last evaluated: 2023-11-08. Review status: criteria provided, single submitter. Criteria: Invitae Variant Classification Sherloc (09022015). Collection method: clinical testing. Allele origin: germline.
Comment: This variant results in a copy number gain of the genomic region encompassing exon(s) 8-13 of the CHEK2 gene. While the exact position of this variant cannot be determined from the data, sub-genic copy number gains are generally in tandem (PMID: 25640679). This variant is predicted to be in-frame, and likely preserves the integrity of the reading frame. This variant has not been reported in the literature in individuals affected with CHEK2-related conditions. Experimental studies and prediction algorithms are not available or were not evaluated, and the functional significance of this variant is currently unknown. In summary, the available evidence is currently insufficient to determine the role of this variant in disease. Therefore, it has been classified as a Variant of Uncertain Significance.

Literature cited by the submitters: PubMed 25640679.

NC_000022.11:g.(?_28694022)_(28703576_?)dup

Gene: CHEK2 (checkpoint kinase 2; minus strand). Cytogenetic location: 22q12.1.
Variant type: Duplication.
Identifiers: ClinVar variation 833268 (VCV000833268.7).